The following is an entry in ClinVar:

NM_014413.4(EIF2AK1):c.1094A>C (p.Asn365Thr)

Gene: EIF2AK1 (eukaryotic translation initiation factor 2 alpha kinase 1; minus strand). Cytogenetic location: 7p22.1.
Variant type: single nucleotide variant.
Coding change: c.1094A>C on transcript NM_014413.4 (MANE Select); coding-DNA position 1094, A replaced by C.
Protein change: p.Asn365Thr; replaces asparagine 365 with threonine.
Molecular consequence: missense variant.
Genome position (GRCh38, 1-based): chr7:6,040,917, T>G on the plus strand (A>C on the coding strand, the complement: EIF2AK1 is on the minus strand). VCF-style: chr7-6040917-T-G. GRCh37 (hg19) VCF-style: chr7-6080548-T-G.
Other names: c.1091A>C, p.Asn364Thr (NM_001134335.2); short protein forms N364T, N365T.
Identifiers: ClinVar variation 4881345 (VCV004881345.2).

ClinVar aggregate classification (germline): Uncertain significance (1 of 4 stars; one submission).

Conditions:
Leukoencephalopathy, motor delay, spasticity, and dysarthria syndrome. Also called: LEMSPAD SYNDROME. Identifiers: MedGen C5394371, MONDO:0030036, OMIM 618878.

Submission:

Dasa
Classification: Uncertain significance for Leukoencephalopathy, motor delay, spasticity, and dysarthria syndrome. Last evaluated: 2025-11-16. Review status: criteria provided, single submitter. Criteria: DASA Assertion Criteria. Collection method: clinical testing. Allele origin: germline.
Comment: NM_014413.4(EIF2AK1):c.1094A>C (p.Asn365Thr) is a missense variant that results in the substitution of asparagine with threonine. This variant is absent from population databases. Computational prediction algorithms are consistent with a benign effect. The currently available literature and clinical evidence are not sufficient to establish a definitive association between this variant and the reported condition. Therefore, this variant is classified as a variant of uncertain significance.